The following is an entry in ClinVar:

ClinVar aggregate classification (germline): Uncertain significance (1 of 4 stars; one submission).

Submission:

GeneDx
Classification: Uncertain significance. Last evaluated: 2024-12-06. Review status: criteria provided, single submitter. Criteria: GeneDx Variant Classification Process June 2021. Collection method: clinical testing. Allele origin: germline. Affected: yes.
Comment: Not observed at significant frequency in large population cohorts (gnomAD); In silico analysis supports that this missense variant has a deleterious effect on protein structure/function; Has not been previously published as pathogenic or benign to our knowledge; This substitution is predicted to be within the cytoplasmic loop between the first and second homologous domains

NM_001165963.4(SCN1A):c.1568C>G (p.Ser523Cys)

Gene: SCN1A (sodium voltage-gated channel alpha subunit 1; minus strand). Cytogenetic location: 2q24.3.
Variant type: single nucleotide variant.
Coding change: c.1568C>G on transcript NM_001165963.4 (MANE Select); coding-DNA position 1568, C replaced by G.
Protein change: p.Ser523Cys; replaces serine 523 with cysteine.
Molecular consequence: missense variant. On other transcripts: 5 prime UTR variant (1), non-coding transcript variant (1).
Genome position (GRCh38, 1-based): chr2:166,045,137, G>C on the plus strand (C>G on the coding strand, the complement: SCN1A is on the minus strand). VCF-style: chr2-166045137-G-C. GRCh37 (hg19) VCF-style: chr2-166901647-G-C.
Other names: c.1568C>G, p.Ser523Cys (NM_001165964.3, NM_001202435.3, NM_001353948.2 and 7 more transcripts); c.1565C>G, p.Ser522Cys (NM_001353954.2, NM_001353955.2, NM_001353960.2); c.-858C>G (NM_001353961.2); short protein forms S522C, S523C.
Identifiers: ClinVar variation 3903424 (VCV003903424.1).